The following is an entry in ClinVar:

ClinVar aggregate classification (germline): Benign/Likely benign. Review status: criteria provided, multiple submitters, no conflicts (2 of 4 stars). 2 submissions from 2 submitters: Benign (1); Likely benign (1). Last evaluated 2024-07-25.

Conditions:
Hereditary cancer-predisposing syndrome. Also called: Hereditary Cancer Syndrome; Hereditary neoplastic syndrome; Neoplastic Syndromes, Hereditary; Tumor predisposition. Identifiers: Orphanet 140162, MedGen C0027672, MeSH D009386, MONDO:0015356.
Familial cancer of breast. Also called: BREAST CANCER, FAMILIAL; Hereditary breast cancer; hereditary breast carcinoma. Identifiers: Orphanet 227535, MedGen C0346153, MONDO:0016419, OMIM 114480. Disease mechanism: loss of function.

Submissions (2):

Myriad Genetics, Inc.
Classification: Benign for Familial cancer of breast. Last evaluated: 2024-07-25. Review status: criteria provided, single submitter. Criteria: Myriad Autosomal Dominant, Autosomal Recessive and X-Linked Classification Criteria (2023). Collection method: clinical testing. Allele origin: unknown.
Comment: This variant is considered benign. This variant is a silent/synonymous amino acid change and it is not expected to impact splicing.

Ambry Genetics
Classification: Likely benign for Hereditary cancer-predisposing syndrome. Last evaluated: 2020-11-28. Review status: criteria provided, single submitter. Criteria: Ambry Variant Classification Scheme 2023. Collection method: clinical testing. Allele origin: germline.

NM_000465.4(BARD1):c.1416G>A (p.Gly472=)

Gene: BARD1 (BRCA1 associated RING domain 1; minus strand). Cytogenetic location: 2q35.
Variant type: single nucleotide variant.
Coding change: c.1416G>A on transcript NM_000465.4 (MANE Select); coding-DNA position 1416, G replaced by A.
Protein change: p.Gly472=; no amino-acid change (glycine 472 retained).
Molecular consequence: synonymous variant. On other transcripts: non-coding transcript variant (3), intron variant (3).
Genome position (GRCh38, 1-based): chr2:214,767,634, C>T on the plus strand (G>A on the coding strand, the complement: BARD1 is on the minus strand). VCF-style: chr2-214767634-C-T. GRCh37 (hg19) VCF-style: chr2-215632358-C-T.
Other names: c.1359G>A, p.Gly453= (NM_001282543.2); c.159-15079G>A (NM_001282548.2); c.216-15079G>A (NM_001282545.2); c.364+24663G>A (NM_001282549.2).
Identifiers: ClinVar variation 1772139 (VCV001772139.3), dbSNP rs2469444652, ClinGen allele CA431129844.